The following is an entry in ClinVar:

ClinVar aggregate classification (germline): Uncertain significance (1 of 4 stars; one submission).

Conditions:
Cerebral cavernous malformation 3. Also called: Familial Cerebral Cavernous Malformation 3. Identifiers: Orphanet 221061, MedGen C1864040, MONDO:0011305, OMIM 603285.

Submission:

Institute of Human Genetics, University of Goettingen
Classification: Uncertain significance for Cerebral cavernous malformation 3. Last evaluated: 2024-11-01. Review status: criteria provided, single submitter. Criteria: ACMG Guidelines, 2015. Collection method: clinical testing. Allele origin: maternal. Inheritance: Autosomal dominant inheritance. Observed: 1 heterozygote.
Comment: The variant c.533T>C (p.(Leu178Pro)) in exon 8 of the PDCD10-gene is not found in the gnomAD database, it affects a highly conserved nucleotide, and a highly conserved amino acid and there is a moderate physicochemical difference between Leu and Pro. This variant has a pathogenic computational verdict based on in silico prediction algorithms. As of today, missense variants in PDCD10 are not a known pathogenic mechanism of disease. ACMG criteria used for classification: PM2_SUP, PP3, PP4, BP1.

NM_007217.4(PDCD10):c.533T>C (p.Leu178Pro)

Gene: PDCD10 (programmed cell death 10; minus strand). Cytogenetic location: 3q26.1.
Variant type: single nucleotide variant.
Coding change: c.533T>C on transcript NM_007217.4 (MANE Select); coding-DNA position 533, T replaced by C.
Protein change: p.Leu178Pro; replaces leucine 178 with proline.
Molecular consequence: missense variant.
Genome position (GRCh38, 1-based): chr3:167,687,258, A>G on the plus strand (T>C on the coding strand, the complement: PDCD10 is on the minus strand). VCF-style: chr3-167687258-A-G. GRCh37 (hg19) VCF-style: chr3-167405046-A-G.
Other names: c.533T>C, p.Leu178Pro (NM_145859.2, NM_145860.2); short protein forms L178P.
Identifiers: ClinVar variation 3370368 (VCV003370368.2).